The following is an entry in ClinVar:

NM_003036.4(SKI):c.1527C>T (p.Ser509=)

Gene: SKI (SKI proto-oncogene; plus strand). Cytogenetic location: 1p36.32.
Variant type: single nucleotide variant.
Coding change: c.1527C>T on transcript NM_003036.4 (MANE Select); coding-DNA position 1527, C replaced by T.
Protein change: p.Ser509=; no amino-acid change (serine 509 retained).
Molecular consequence: synonymous variant.
Genome position (GRCh38, 1-based): chr1:2,304,345, C>T. VCF-style: chr1-2304345-C-T. GRCh37 (hg19) VCF-style: chr1-2235784-C-T.
Other names: p.S509S:TCC>TCT; p.Ser509=.
Identifiers: ClinVar variation 213674 (VCV000213674.54), dbSNP rs111935632, ClinGen allele CA323859.

ClinVar aggregate classification (germline): Benign/Likely benign. Review status: criteria provided, multiple submitters, no conflicts (2 of 4 stars). 9 submissions from 9 submitters: Benign (6); Likely benign (3). Last evaluated 2026-08-01.

Conditions:
Familial thoracic aortic aneurysm and aortic dissection (TAAD). Also called: Thoracic aortic aneurysms and dissections. Identifiers: Orphanet 91387, MedGen C4707243, MONDO:0019625.
Shprintzen-Goldberg syndrome (SGS). Also called: Marfanoid disorder with craniosynostosis type 1; Marfanoid craniosynostosis syndrome; Shprintzen-Goldberg marfanoid syndrome; SHPRINTZEN-GOLDBERG CRANIOSYNOSTOSIS SYNDROME; CRANIOSYNOSTOSIS WITH ARACHNODACTYLY AND ABDOMINAL HERNIAS. Identifiers: Orphanet 2462, MedGen C1321551, MONDO:0008426, OMIM 182212.

Allele frequency attached by ClinVar (database versions not stated): ExAC 0.00095; 1000 Genomes Project 30x 0.00156; 1000 Genomes Project 0.00160; gnomAD 0.00246 and 0.00270; TOPMed 0.00285; ESP Exome Variant Server 0.00329.
gnomAD v4.1: 873 of 1,551,624 alleles (0.056%); highest among the groups gnomAD compares: African/African-American, 0.88%; 9 homozygotes.

Submissions (9):

CeGaT Center for Human Genetics Tuebingen
Classification: Likely benign. Last evaluated: 2026-08-01. Review status: criteria provided, single submitter. Criteria: CeGaT Center For Human Genetics Tuebingen Variant Classification Criteria Version 2. Collection method: clinical testing. Allele origin: germline. Affected: yes. Observed: 2 variant alleles.
Comment: SKI: BP4, BP7

Labcorp Genetics (formerly Invitae), Labcorp
Classification: Benign for Shprintzen-Goldberg syndrome. Last evaluated: 2026-02-01. Review status: criteria provided, single submitter. Criteria: Invitae Variant Classification Sherloc (09022015). Collection method: clinical testing. Allele origin: germline.

Mayo Clinic Laboratories, Mayo Clinic
Classification: Benign. Last evaluated: 2024-12-03. Review status: criteria provided, single submitter. Criteria: ACMG Guidelines, 2015. Collection method: clinical testing. Allele origin: germline. Observed: 2 variant alleles.
Comment: BS1, BS2

Blueprint Genetics
Classification: Likely benign. Last evaluated: 2024-08-28. Review status: criteria provided, single submitter. Criteria: ACMG Guidelines, 2015. Collection method: clinical testing. Allele origin: germline.

Women's Health and Genetics/Laboratory Corporation of America, LabCorp
Classification: Benign. Last evaluated: 2023-07-21. Review status: criteria provided, single submitter. Criteria: LabCorp Variant Classification Summary - May 2015. Collection method: clinical testing. Allele origin: germline.

ARUP Laboratories, Molecular Genetics and Genomics, ARUP Laboratories
Classification: Benign for Shprintzen-Goldberg syndrome. Last evaluated: 2020-10-13. Review status: criteria provided, single submitter. Criteria: ARUP Molecular Germline Variant Investigation Process 2021. Collection method: clinical testing. Allele origin: germline.

Ambry Genetics
Classification: Likely benign for Familial thoracic aortic aneurysm and aortic dissection. Last evaluated: 2015-02-24. Review status: criteria provided, single submitter. Criteria: Ambry Variant Classification Scheme 2023. Collection method: clinical testing. Allele origin: germline.

Laboratory for Molecular Medicine, Mass General Brigham Personalized Medicine
Classification: Benign. Last evaluated: 2014-11-24. Review status: criteria provided, single submitter. Criteria: LMM Criteria. Collection method: clinical testing. Allele origin: germline. Observed: 2 variant alleles.
Comment: Ser509Ser in exon 5 of SKI: This variant is not expected to have clinical signif icance because it does not alter an amino acid residue and is not located within the splice consensus sequence. It has been identified in 0.9% (38/4110) of Afri can American chromosomes from a broad population by the NHLBI Exome Sequencing P roject (dbSNP rs111935632).

GeneDx
Classification: Benign. Last evaluated: 2014-09-11. Review status: criteria provided, single submitter. Criteria: GeneDx Variant Classification (06012015). Collection method: clinical testing. Allele origin: germline. Affected: yes.
Comment: This variant is considered likely benign or benign based on one or more of the following criteria: it is a conservative change, it occurs at a poorly conserved position in the protein, it is predicted to be benign by multiple in silico algorithms, and/or has population frequency not consistent with disease.

Literature cited by the submitters: PubMed 19112531 (cited by Ambry Genetics).